The following is an entry in ClinVar:

ClinVar aggregate classification (germline): Uncertain significance (1 of 4 stars; one submission).

Conditions:
Multiple congenital exostosis (EXT). Also called: Multiple osteochondromas; Multiple exostoses; Hereditary multiple osteochondromas; Hereditary multiple exostoses; Hereditary multiple exostosis; MULTIPLE CARTILAGINOUS EXOSTOSES. Identifiers: Orphanet 321, MedGen C0015306, MONDO:0005508, HP:0002762.

Submission:

Labcorp Genetics (formerly Invitae), Labcorp
Classification: Uncertain significance for Multiple congenital exostosis. Last evaluated: 2024-10-29. Review status: criteria provided, single submitter. Criteria: Invitae Variant Classification Sherloc (09022015). Collection method: clinical testing. Allele origin: germline.
Comment: This sequence change replaces aspartic acid, which is acidic and polar, with asparagine, which is neutral and polar, at codon 432 of the EXT1 protein (p.Asp432Asn). This variant is not present in population databases (gnomAD no frequency). This variant has not been reported in the literature in individuals affected with EXT1-related conditions. Invitae Evidence Modeling of protein sequence and biophysical properties (such as structural, functional, and spatial information, amino acid conservation, physicochemical variation, residue mobility, and thermodynamic stability) indicates that this missense variant is not expected to disrupt EXT1 protein function with a negative predictive value of 80%. In summary, the available evidence is currently insufficient to determine the role of this variant in disease. Therefore, it has been classified as a Variant of Uncertain Significance.

NM_000127.3(EXT1):c.1294G>A (p.Asp432Asn)

Gene: EXT1 (exostosin glycosyltransferase 1; minus strand). Cytogenetic location: 8q24.11.
Variant type: single nucleotide variant.
Coding change: c.1294G>A on transcript NM_000127.3 (MANE Select); coding-DNA position 1294, G replaced by A.
Protein change: p.Asp432Asn; replaces aspartic acid 432 with asparagine.
Molecular consequence: missense variant.
Genome position (GRCh38, 1-based): chr8:117,822,588, C>T on the plus strand (G>A on the coding strand, the complement: EXT1 is on the minus strand). VCF-style: chr8-117822588-C-T. GRCh37 (hg19) VCF-style: chr8-118834827-C-T.
Other names: short protein forms D432N.
Identifiers: ClinVar variation 3625092 (VCV003625092.2).